The following is an entry in ClinVar:

ClinVar aggregate classification (germline): Uncertain significance (1 of 4 stars; one submission).

Conditions:
Leigh syndrome (NULS). Also called: Leigh's necrotizing encephalopathy; Leigh's disease; Leigh Syndrome (mtDNA deletion); Leigh Disease; Subacute necrotizing encephalopathy; Necrotizing encephalopathy infantile subacute of Leigh. Identifiers: Orphanet 506, MedGen C2931891, MONDO:0009723, OMIM 256000.

Submission:

Wong Mito Lab, Molecular and Human Genetics, Baylor College of Medicine
Classification: Uncertain significance for Leigh syndrome. Last evaluated: 2019-10-17. Review status: criteria provided, single submitter. Criteria: Modified ACMG Guidelines (Unpublished). Collection method: clinical testing. Allele origin: germline.
Comment: The NC_012920.1:m.4632G>A (YP_003024027.1:p.Ala55Thr) variant in MTND2 gene is interpretated to be a Uncertain Significance variant based on the modified ACMG guidelines (unpublished). This variant meets the following evidence codes: PP7

NC_012920.1(MT-ND2):m.4632G>A

Gene: MT-ND2 (mitochondrially encoded NADH dehydrogenase 2; plus strand).
Variant type: single nucleotide variant.
Genome position: chrM-4632-G-A.
Identifiers: ClinVar variation 692469 (VCV000692469.1), dbSNP rs1603219530, ClinGen allele CA414775046.